The following is an entry in ClinVar:

ClinVar aggregate classification (germline): Benign/Likely benign. Review status: criteria provided, multiple submitters, no conflicts (2 of 4 stars). 4 submissions from 4 submitters: Benign (1); Likely benign (3). Last evaluated 2025-10-27.

Conditions:
Hereditary cancer-predisposing syndrome. Also called: Neoplastic Syndromes, Hereditary; Tumor predisposition; Hereditary Cancer Syndrome; Hereditary neoplastic syndrome. Identifiers: Orphanet 140162, MedGen C0027672, MeSH D009386, MONDO:0015356.
Familial cancer of breast. Also called: hereditary breast carcinoma; BREAST CANCER, FAMILIAL; Hereditary breast cancer. Identifiers: Orphanet 227535, MedGen C0346153, MONDO:0016419, OMIM 114480. Disease mechanism: loss of function.
Ataxia-telangiectasia syndrome (AT). Also called: ATAXIA-TELANGIECTASIA, COMPLEMENTATION GROUP A; ATAXIA-TELANGIECTASIA, FRESNO VARIANT; Ataxia-telangiectasia; Ataxia-telangiectasia, complementation group D; AT, COMPLEMENTATION GROUP C; Ataxia-telangiectasia, complementation group E. Identifiers: Orphanet 100, MedGen C0004135, MONDO:0008840, OMIM 208900.

Allele frequency attached by ClinVar (database versions not stated): gnomAD 0.00001; gnomAD exomes below 0.00001.
gnomAD v4.1: 5 of 1,613,690 alleles (0.00031%); no homozygotes.

Submissions (4):

Ambry Genetics
Classification: Likely benign for Hereditary cancer-predisposing syndrome. Last evaluated: 2025-10-27. Review status: criteria provided, single submitter. Criteria: Ambry Variant Classification Scheme 2023. Collection method: clinical testing. Allele origin: germline.

Myriad Genetics, Inc.
Classification: Benign for Familial cancer of breast. Last evaluated: 2024-05-02. Review status: criteria provided, single submitter. Criteria: Myriad Autosomal Dominant, Autosomal Recessive and X-Linked Classification Criteria (2023). Collection method: clinical testing. Allele origin: unknown.
Comment: This variant is considered benign. This variant is a silent/synonymous amino acid change and it is not expected to impact splicing.

Labcorp Genetics (formerly Invitae), Labcorp
Classification: Likely benign for Ataxia-telangiectasia syndrome. Last evaluated: 2021-08-01. Review status: criteria provided, single submitter. Criteria: Invitae Variant Classification Sherloc (09022015). Collection method: clinical testing. Allele origin: germline.

Color Diagnostics, LLC DBA Color Health
Classification: Likely benign for Hereditary cancer-predisposing syndrome. Last evaluated: 2019-08-14. Review status: criteria provided, single submitter. Criteria: ACMG Guidelines, 2015. Collection method: clinical testing. Allele origin: germline.

NM_000051.4(ATM):c.1929T>G (p.Leu643=)

Gene: ATM (ATM serine/threonine kinase; plus strand). Cytogenetic location: 11q22.3.
Variant type: single nucleotide variant.
Coding change: c.1929T>G on transcript NM_000051.4 (MANE Select); coding-DNA position 1929, T replaced by G.
Protein change: p.Leu643=; no amino-acid change (leucine 643 retained).
Molecular consequence: synonymous variant.
Genome position (GRCh38, 1-based): chr11:108,253,844, T>G. VCF-style: chr11-108253844-T-G. GRCh37 (hg19) VCF-style: chr11-108124571-T-G.
Other names: c.1929T>G, p.Leu643= (NM_001351834.2).
Identifiers: ClinVar variation 524451 (VCV000524451.12), dbSNP rs876659911, ClinGen allele CA476672338.
Genomic context (GRCh38, chr11:108,253,844, plus strand): 5'-TTATATATTAAAGATCTTACTTTCTTGAAGTGAACACCACCAAAAAGATAAAGAAGAACT[T>G]TCATTCTCAGAAGTAGAAGAACTATTTCTTCAGACAACTTTTGACAAGATGGACTTTTTA-3'
Protein context (NP_000042.3, residues 633-653): CEHHQKDKEE[Leu643=]SFSEVEELFL